The following is an entry in ClinVar:

NM_017686.4(GDAP2):c.1309A>G (p.Thr437Ala)

Gene: GDAP2 (ganglioside induced differentiation associated protein 2; minus strand). Cytogenetic location: 1p12.
Variant type: single nucleotide variant.
Coding change: c.1309A>G on transcript NM_017686.4 (MANE Select); coding-DNA position 1309, A replaced by G.
Protein change: p.Thr437Ala; replaces threonine 437 with alanine.
Molecular consequence: missense variant.
Genome position (GRCh38, 1-based): chr1:117,878,146, T>C on the plus strand (A>G on the coding strand, the complement: GDAP2 is on the minus strand). VCF-style: chr1-117878146-T-C. GRCh37 (hg19) VCF-style: chr1-118420768-T-C.
Other names: p.Thr437Ala; c.1309A>G, p.Thr437Ala (NM_001135589.3); short protein forms T437A.
Identifiers: ClinVar variation 4541388 (VCV004541388.1).
Genomic context (GRCh38, chr1:117,878,146, plus strand): 5'-TGTCCACATGGTGGATTTTGTCCTTCAGTCCTGAGACAGAAAAGGTGGTAAAAAACCATG[T>C]TGACACCTGATTAATAGAAGAGAAAAAATAATTTAAGCTAGTTGCCATAGTTAGAAACAT-3'
Protein context (NP_060156.1, residues 427-447): VHPTFRSKVS[Thr437Ala]WFFTTFSVSG

ClinVar aggregate classification (germline): Uncertain significance (1 of 4 stars; one submission).

Submission:

Mayo Clinic Laboratories, Mayo Clinic
Classification: Uncertain significance. Last evaluated: 2025-09-13. Review status: criteria provided, single submitter. Criteria: ACMG Guidelines, 2015. Collection method: clinical testing. Allele origin: germline. Observed: 1 variant allele.
Comment: BP4

Literature cited by the submitters: PubMed 33408077.